The following is an entry in ClinVar:

ClinVar aggregate classification (germline): Uncertain significance (1 of 4 stars; one submission).

Conditions:
Intellectual developmental disorder, X-linked 1. Also called: Atkin Flaitz Patil Smith syndrome; MENTAL RETARDATION, X-LINKED 18; MENTAL RETARDATION, X-LINKED 78; Intellectual disability, X-linked 1. Identifiers: Orphanet 777, MedGen C2931498, MONDO:0010656, OMIM 309530.

Submission:

Labcorp Genetics (formerly Invitae), Labcorp
Classification: Uncertain significance for Intellectual developmental disorder, X-linked 1. Last evaluated: 2024-06-17. Review status: criteria provided, single submitter. Criteria: Invitae Variant Classification Sherloc (09022015). Collection method: clinical testing. Allele origin: germline.
Comment: This sequence change replaces glutamine, which is neutral and polar, with histidine, which is basic and polar, at codon 540 of the IQSEC2 protein (p.Gln540His). This variant is not present in population databases (gnomAD no frequency). This variant has not been reported in the literature in individuals affected with IQSEC2-related conditions. Advanced modeling of protein sequence and biophysical properties (such as structural, functional, and spatial information, amino acid conservation, physicochemical variation, residue mobility, and thermodynamic stability) performed at Invitae indicates that this missense variant is not expected to disrupt IQSEC2 protein function with a negative predictive value of 95%. In summary, the available evidence is currently insufficient to determine the role of this variant in disease. Therefore, it has been classified as a Variant of Uncertain Significance.

NM_001111125.3(IQSEC2):c.1620G>T (p.Gln540His)

Gene: IQSEC2 (IQ motif and Sec7 domain ArfGEF 2; minus strand). Cytogenetic location: Xp11.22.
Variant type: single nucleotide variant.
Coding change: c.1620G>T on transcript NM_001111125.3 (MANE Select); coding-DNA position 1620, G replaced by T.
Protein change: p.Gln540His; replaces glutamine 540 with histidine.
Molecular consequence: missense variant.
Genome position (GRCh38, 1-based): chrX:53,250,956, C>A on the plus strand (G>T on the coding strand, the complement: IQSEC2 is on the minus strand). VCF-style: chrX-53250956-C-A. GRCh37 (hg19) VCF-style: chrX-53280138-C-A.
Other names: c.1620G>T, p.Gln540His (NM_001410736.1); c.1005G>T, p.Gln335His (NM_015075.2); short protein forms Q335H, Q540H.
Identifiers: ClinVar variation 3634904 (VCV003634904.2).